The following is an entry in ClinVar:

NM_000127.3(EXT1):c.1162C>T (p.Gln388Ter)

Gene: EXT1 (exostosin glycosyltransferase 1; minus strand). Cytogenetic location: 8q24.11.
Variant type: single nucleotide variant.
Coding change: c.1162C>T on transcript NM_000127.3 (MANE Select); coding-DNA position 1162, C replaced by T.
Protein change: p.Gln388Ter; replaces glutamine 388 with a stop codon.
Molecular consequence: nonsense.
Genome position (GRCh38, 1-based): chr8:117,835,446, G>A on the plus strand (C>T on the coding strand, the complement: EXT1 is on the minus strand). VCF-style: chr8-117835446-G-A. GRCh37 (hg19) VCF-style: chr8-118847685-G-A.
Other names: short protein forms Q388*.
Identifiers: ClinVar variation 1457289 (VCV001457289.8), dbSNP rs2129786122, ClinGen allele CA371891804.
Genomic context (GRCh38, chr8:117,835,446, plus strand): 5'-TTTGGACGGGGGCAGCAATAATCTGCTGATGTGTTGAAGGCCACAGCCCCTTCCTTACCT[G>A]TAATAACAATCTCTCATCGCCTATGACGGCAGCTTGGTTCCAATTAATCACTTCAGAGAA-3'

ClinVar aggregate classification (germline): Pathogenic (1 of 4 stars; one submission).

Conditions:
Multiple congenital exostosis (EXT). Also called: Multiple osteochondromas; MULTIPLE CARTILAGINOUS EXOSTOSES; Hereditary multiple exostoses; Hereditary multiple exostosis; Hereditary multiple osteochondromas; Multiple exostoses. Identifiers: Orphanet 321, MedGen C0015306, MONDO:0005508, HP:0002762.

Submission:

Labcorp Genetics (formerly Invitae), Labcorp
Classification: Pathogenic for Multiple congenital exostosis. Last evaluated: 2024-12-24. Review status: criteria provided, single submitter. Criteria: Invitae Variant Classification Sherloc (09022015). Collection method: clinical testing. Allele origin: germline.
Comment: This sequence change creates a premature translational stop signal (p.Gln388*) in the EXT1 gene. It is expected to result in an absent or disrupted protein product. Loss-of-function variants in EXT1 are known to be pathogenic (PMID: 10679937, 11391482, 19810120). This variant is not present in population databases (gnomAD no frequency). This premature translational stop signal has been observed in individual(s) with multiple osteochondromas (PMID: 16283885). ClinVar contains an entry for this variant (Variation ID: 1457289). Algorithms developed to predict the effect of sequence changes on RNA splicing suggest that this variant may disrupt the consensus splice site. For these reasons, this variant has been classified as Pathogenic.

Literature cited by the submitters: PubMed 10679937; PubMed 11391482; PubMed 19810120; PubMed 16283885.